The following is an entry in ClinVar:

NM_015978.3(TNNI3K):c.929A>T (p.His310Leu)

Genes: FPGT-TNNI3K (FPGT-TNNI3K readthrough; plus strand), TNNI3K (TNNI3 interacting kinase; plus strand). Cytogenetic location: 1p31.1.
Variant type: single nucleotide variant.
Coding change: c.929A>T on transcript NM_015978.3 (MANE Select); coding-DNA position 929, A replaced by T.
Protein change: p.His310Leu; replaces histidine 310 with leucine.
Molecular consequence: missense variant.
Genome position (GRCh38, 1-based): chr1:74,343,176, A>T. VCF-style: chr1-74343176-A-T. GRCh37 (hg19) VCF-style: chr1-74808860-A-T.
Other names: c.1232A>T, p.His411Leu (NM_001112808.3, NM_001199327.2); short protein forms H310L, H411L.
Identifiers: ClinVar variation 1427017 (VCV001427017.7), dbSNP rs113229834, ClinGen allele CA340782498.

ClinVar aggregate classification (germline): Uncertain significance. Review status: criteria provided, multiple submitters, no conflicts (2 of 4 stars). 2 submissions from 2 submitters: Uncertain significance (2). Last evaluated 2024-05-15.

Conditions:
Atrial conduction disease. Identifiers: Orphanet 436242, MedGen CN221670, MONDO:0014500.

Allele frequency attached by ClinVar (database versions not stated): gnomAD exomes below 0.00001.
gnomAD v4.1: 3 of 1,609,790 alleles (0.00019%); highest among the groups gnomAD compares: East Asian, 0.0022%; no homozygotes.

Submissions (2):

ARUP Laboratories, Molecular Genetics and Genomics, ARUP Laboratories
Classification: Uncertain significance for Cardiac conduction disease with or without dilated cardiomyopathy 1. Last evaluated: 2024-05-15. Review status: criteria provided, single submitter. Criteria: ARUP Molecular Germline Variant Investigation Process 2024. Collection method: clinical testing. Allele origin: germline.
Comment: The TNNI3K c.929A>T; p.His310Leu variant (rs113229834), to our knowledge, is not reported in the medical literature but is reported in ClinVar (Variation ID: 1427017). This variant is only observed on one allele in the Genome Aggregation Database (v2.1.1), indicating it is not a common polymorphism. Computational analyses predict that this variant is deleterious (REVEL: 0.817). However, given the lack of clinical and functional data, the significance of this variant is uncertain at this time.

Labcorp Genetics (formerly Invitae), Labcorp
Classification: Uncertain significance. Last evaluated: 2021-10-16. Review status: criteria provided, single submitter. Criteria: Invitae Variant Classification Sherloc (09022015). Collection method: clinical testing. Allele origin: germline.
Comment: In summary, the available evidence is currently insufficient to determine the role of this variant in disease. Therefore, it has been classified as a Variant of Uncertain Significance. Algorithms developed to predict the effect of missense changes on protein structure and function (SIFT, PolyPhen-2, Align-GVGD) all suggest that this variant is likely to be disruptive. This variant has not been reported in the literature in individuals affected with TNNI3K-related conditions. This variant is not present in population databases (ExAC no frequency). This sequence change replaces histidine with leucine at codon 310 of the TNNI3K protein (p.His310Leu). The histidine residue is highly conserved and there is a moderate physicochemical difference between histidine and leucine.